The following is an entry in ClinVar:

NM_000138.5(FBN1):c.7573A>G (p.Asn2525Asp)

Gene: FBN1 (fibrillin 1; minus strand). Cytogenetic location: 15q21.1.
Variant type: single nucleotide variant.
Coding change: c.7573A>G on transcript NM_000138.5 (MANE Select); coding-DNA position 7573, A replaced by G.
Protein change: p.Asn2525Asp; replaces asparagine 2525 with aspartic acid.
Molecular consequence: missense variant.
Genome position (GRCh38, 1-based): chr15:48,421,684, T>C on the plus strand (A>G on the coding strand, the complement: FBN1 is on the minus strand). VCF-style: chr15-48421684-T-C. GRCh37 (hg19) VCF-style: chr15-48713881-T-C.
Other names: c.7573A>G, p.Asn2525Asp (NM_001406716.1); short protein forms N2525D.
Identifiers: ClinVar variation 4792311 (VCV004792311.1).

ClinVar aggregate classification (germline): Uncertain significance (1 of 4 stars; one submission).

Conditions:
Marfan syndrome (MFS). Also called: FBN1-Related Marfan Syndrome; MARFAN SYNDROME, TYPE I; Marfan syndrome type 1; Marfan's syndrome; Marfan syndrome, classic. Identifiers: Orphanet 284963, Orphanet 558, MedGen C0024796, MONDO:0007947, OMIM 154700.
Familial thoracic aortic aneurysm and aortic dissection (TAAD). Also called: Thoracic aortic aneurysms and dissections. Identifiers: Orphanet 91387, MedGen C4707243, MONDO:0019625.

Submission:

Labcorp Genetics (formerly Invitae), Labcorp
Classification: Uncertain significance for Marfan syndrome; Familial thoracic aortic aneurysm and aortic dissection. Last evaluated: 2025-10-22. Review status: criteria provided, single submitter. Criteria: Invitae Variant Classification Sherloc (09022015). Collection method: clinical testing. Allele origin: germline.
Comment: This sequence change replaces asparagine, which is neutral and polar, with aspartic acid, which is acidic and polar, at codon 2525 of the FBN1 protein (p.Asn2525Asp). This variant is not present in population databases (gnomAD no frequency). This variant has not been reported in the literature in individuals affected with FBN1-related conditions. An algorithm developed to predict the effect of missense changes on protein structure and function (PolyPhen-2) suggests that this variant is likely to be disruptive. In summary, the available evidence is currently insufficient to determine the role of this variant in disease. Therefore, it has been classified as a Variant of Uncertain Significance.